The following is an entry in ClinVar:

NM_004963.4(GUCY2C):c.1223A>T (p.Asp408Val)

Genes: GUCY2C (guanylate cyclase 2C; minus strand), GUCY2C-AS1 (GUCY2C antisense RNA 1; plus strand). Cytogenetic location: 12p12.3.
Variant type: single nucleotide variant.
Coding change: c.1223A>T on transcript NM_004963.4 (MANE Select); coding-DNA position 1223, A replaced by T.
Protein change: p.Asp408Val; replaces aspartic acid 408 with valine.
Molecular consequence: missense variant.
Genome position (GRCh38, 1-based): chr12:14,669,781, T>A on the plus strand (A>T on the coding strand, the complement: GUCY2C is on the minus strand). VCF-style: chr12-14669781-T-A. GRCh37 (hg19) VCF-style: chr12-14822715-T-A.
Other names: c.1223A>T (NM_004963.3); short protein forms D408V.
Identifiers: ClinVar variation 3009573 (VCV003009573.5), dbSNP rs1315176746, ClinGen allele CA383997637.

ClinVar aggregate classification (germline): Uncertain significance. Review status: criteria provided, single submitter (1 of 4 stars). 2 submissions from 2 submitters: Uncertain significance (1). 1 of the submissions does not count toward it. Last evaluated 2023-07-26.

Conditions:
GUCY2C-related disorder. Also called: GUCY2C-related condition.

Allele frequency attached by ClinVar (database versions not stated): gnomAD exomes below 0.00001.
gnomAD v4.1: 4 of 1,607,528 alleles (0.00025%); highest among the groups gnomAD compares: Non-Finnish European, 0.00034%; no homozygotes.

Submissions (2):

Labcorp Genetics (formerly Invitae), Labcorp
Classification: Uncertain significance. Last evaluated: 2023-07-26. Review status: criteria provided, single submitter. Criteria: Invitae Variant Classification Sherloc (09022015). Collection method: clinical testing. Allele origin: germline.
Comment: In summary, the available evidence is currently insufficient to determine the role of this variant in disease. Therefore, it has been classified as a Variant of Uncertain Significance. Algorithms developed to predict the effect of sequence changes on RNA splicing suggest that this variant may disrupt the consensus splice site. Algorithms developed to predict the effect of missense changes on protein structure and function output the following: SIFT: "Not Available"; PolyPhen-2: "Benign"; Align-GVGD: "Not Available". The valine amino acid residue is found in multiple mammalian species, which suggests that this missense change does not adversely affect protein function. This variant has not been reported in the literature in individuals affected with GUCY2C-related conditions. This variant is present in population databases (no rsID available, gnomAD 0.0009%). This sequence change replaces aspartic acid, which is acidic and polar, with valine, which is neutral and non-polar, at codon 408 of the GUCY2C protein (p.Asp408Val).

PreventionGenetics, part of Exact Sciences
Classification: Uncertain significance for GUCY2C-related condition. Last evaluated: 2024-01-31. Review status: no assertion criteria provided. Collection method: clinical testing. Allele origin: germline. Not counted in ClinVar's aggregate classification.
Comment: The GUCY2C c.1223A>T variant is predicted to result in the amino acid substitution p.Asp408Val. To our knowledge, this variant has not been reported in the literature. This variant is reported in 0.00088% of alleles in individuals of European (Non-Finnish) descent in gnomAD. At this time, the clinical significance of this variant is uncertain due to the absence of conclusive functional and genetic evidence.